The following is an entry in ClinVar:

ClinVar aggregate classification (germline): Pathogenic. Review status: criteria provided, multiple submitters, no conflicts (2 of 4 stars). 2 submissions from 2 submitters: Pathogenic (2). Last evaluated 2021-08-31.

Conditions:
Hereditary cancer-predisposing syndrome. Also called: Tumor predisposition; Neoplastic Syndromes, Hereditary; Hereditary neoplastic syndrome; Hereditary Cancer Syndrome. Identifiers: Orphanet 140162, MedGen C0027672, MeSH D009386, MONDO:0015356.
Multiple endocrine neoplasia, type 1 (MEN1). Also called: MEN I; WERMER SYNDROME; Endocrine adenomatosis multiple; MEN 1; MEA I. Identifiers: Orphanet 652, MedGen C0025267, MeSH D018761, MONDO:0007540, OMIM 131100.

Submissions (2):

Ambry Genetics
Classification: Pathogenic for Hereditary cancer-predisposing syndrome. Last evaluated: 2021-08-31. Review status: criteria provided, single submitter. Criteria: Ambry Variant Classification Scheme 2023. Collection method: clinical testing. Allele origin: germline.
Comment: The p.A337D pathogenic mutation (also known as c.1010C>A), located in coding exon 6 of the MEN1 gene, results from a C to A substitution at nucleotide position 1010. The alanine at codon 337 is replaced by aspartic acid, an amino acid with dissimilar properties. This mutation has been identified in multiple individuals and families with multiple endocrine neoplasia type 1 (MEN1) (Giraud S et al. Am J Hum Genet 1998 Aug;63(2):455-67; Wautot V et al. Hum Mutat 2002 Jul;20(1):35-47; Cardinal JW et al. J Med Genet 2005 Jan;42(1):69-74; Belar O et al. Clin Endocrinol (Oxf) 2012 May;76(5):719-24). Based on internal structural analysis, p.A337D decreases the structure stability of the MEN1 protein (Ambry internal data). This variant is considered to be rare based on population cohorts in the Genome Aggregation Database (gnomAD). This amino acid position is highly conserved in available vertebrate species. In addition, this alteration is predicted to be deleterious by in silico analysis. Based on the supporting evidence, this alteration is interpreted as a disease-causing mutation.

Labcorp Genetics (formerly Invitae), Labcorp
Classification: Pathogenic for Multiple endocrine neoplasia, type 1. Last evaluated: 2020-09-13. Review status: criteria provided, single submitter. Criteria: Invitae Variant Classification Sherloc (09022015). Collection method: clinical testing. Allele origin: germline.
Comment: For these reasons, this variant has been classified as Pathogenic. Advanced modeling of protein sequence and biophysical properties (such as structural, functional, and spatial information, amino acid conservation, physicochemical variation, residue mobility, and thermodynamic stability) performed at Invitae indicates that this missense variant is expected to disrupt MEN1 protein function. This variant has been observed in individual(s) with clinical features of multiple endocrine neoplasia type 1 (PMID: 9683585, 22026581, 12746426, 15635078, Invitae). This variant is also known as c.1120C>A in the literature. This variant is not present in population databases (ExAC no frequency). This sequence change replaces alanine with aspartic acid at codon 337 of the MEN1 protein (p.Ala337Asp). The alanine residue is highly conserved and there is a moderate physicochemical difference between alanine and aspartic acid.

Literature cited by the submitters: PubMed 9683585 (cited by Labcorp Genetics (formerly Invitae), Labcorp); PubMed 22026581 (cited by Labcorp Genetics (formerly Invitae), Labcorp); PubMed 12746426 (cited by Labcorp Genetics (formerly Invitae), Labcorp); PubMed 15635078 (cited by Labcorp Genetics (formerly Invitae), Labcorp).

NM_001370259.2(MEN1):c.1010C>A (p.Ala337Asp)

Gene: MEN1 (menin 1; minus strand). Cytogenetic location: 11q13.1.
Variant type: single nucleotide variant.
Coding change: c.1010C>A on transcript NM_001370259.2 (MANE Select); coding-DNA position 1010, C replaced by A.
Protein change: p.Ala337Asp; replaces alanine 337 with aspartic acid.
Molecular consequence: missense variant.
Genome position (GRCh38, 1-based): chr11:64,806,271, G>T on the plus strand (C>A on the coding strand, the complement: MEN1 is on the minus strand). VCF-style: chr11-64806271-G-T. GRCh37 (hg19) VCF-style: chr11-64573743-G-T.
Other names: c.1025C>A, p.Ala342Asp (NM_000244.4, NM_130800.3, NM_130801.3 and 3 more transcripts); c.1010C>A, p.Ala337Asp (NM_001370251.2, NM_001370260.2, NM_001370261.2 and 1 more transcripts); c.905C>A, p.Ala302Asp (NM_001370262.2, NM_001370263.2); short protein forms A302D, A337D, A342D.
Identifiers: ClinVar variation 1070417 (VCV001070417.11), dbSNP rs2136118998, ClinGen allele CA381183254.